The following is an entry in ClinVar:

ClinVar aggregate classification (germline): Benign/Likely benign. Review status: criteria provided, multiple submitters, no conflicts (2 of 4 stars). 2 submissions from 2 submitters: Benign (1); Likely benign (1). Last evaluated 2023-10-01.

Allele frequency attached by ClinVar (database versions not stated): 1000 Genomes Project 30x 0.00203; TOPMed 0.00379; gnomAD 0.00424 and 0.00434; gnomAD exomes 0.00470; ExAC 0.00526; ESP Exome Variant Server 0.00530.
gnomAD v4.1: 9,240 of 1,613,124 alleles (0.57%); highest among the groups gnomAD compares: Non-Finnish European, 0.67%; 32 homozygotes.

Submissions (2):

CeGaT Center for Human Genetics Tuebingen
Classification: Likely benign. Last evaluated: 2023-10-01. Review status: criteria provided, single submitter. Criteria: CeGaT Center For Human Genetics Tuebingen Variant Classification Criteria Version 2. Collection method: clinical testing. Allele origin: germline. Affected: yes. Observed: 1 variant allele.
Comment: SEMA6A: BS2

Labcorp Genetics (formerly Invitae), Labcorp
Classification: Benign. Last evaluated: 2018-05-08. Review status: criteria provided, single submitter. Criteria: Invitae Variant Classification Sherloc (09022015). Collection method: clinical testing. Allele origin: germline.

NM_020796.5(SEMA6A):c.2909A>C (p.Gln970Pro)

Gene: SEMA6A (semaphorin 6A; minus strand). Cytogenetic location: 5q23.1.
Variant type: single nucleotide variant.
Coding change: c.2909A>C on transcript NM_020796.5 (MANE Select); coding-DNA position 2909, A replaced by C.
Protein change: p.Gln970Pro; replaces glutamine 970 with proline.
Molecular consequence: missense variant.
Genome position (GRCh38, 1-based): chr5:116,446,797, T>G on the plus strand (A>C on the coding strand, the complement: SEMA6A is on the minus strand). VCF-style: chr5-116446797-T-G. GRCh37 (hg19) VCF-style: chr5-115782493-T-G.
Other names: c.2960A>C, p.Gln987Pro (NM_001300780.2); short protein forms Q970P, Q987P.
Identifiers: ClinVar variation 718147 (VCV000718147.27), dbSNP rs200578077, ClinGen allele CA3377623.